The following is an entry in ClinVar:

ClinVar aggregate classification (germline): Likely pathogenic (1 of 4 stars; one submission).

Allele frequency attached by ClinVar (database versions not stated): gnomAD exomes below 0.00001; ExAC 0.00001; gnomAD 0.00001.
gnomAD v4.1: 1 of 1,614,062 alleles (0.000062%); highest among the groups gnomAD compares: Non-Finnish European, 0.000085%; no homozygotes.

Submission:

Labcorp Genetics (formerly Invitae), Labcorp
Classification: Likely pathogenic. Last evaluated: 2025-10-02. Review status: criteria provided, single submitter. Criteria: Invitae Variant Classification Sherloc (09022015). Collection method: clinical testing. Allele origin: germline.
Comment: This sequence change affects an acceptor splice site in intron 9 of the VPS33B gene. It is expected to disrupt RNA splicing. Variants that disrupt the donor or acceptor splice site typically lead to a loss of protein function (PMID: 16199547), and loss-of-function variants in VPS33B are known to be pathogenic (PMID: 15052268, 16896922). This variant is present in population databases (rs776357060, gnomAD 0.0009%). This variant has not been reported in the literature in individuals affected with VPS33B-related conditions. ClinVar contains an entry for this variant (Variation ID: 1495328). Algorithms developed to predict the effect of sequence changes on RNA splicing suggest that this variant may disrupt the consensus splice site. In summary, the currently available evidence indicates that the variant is pathogenic, but additional data are needed to prove that conclusively. Therefore, this variant has been classified as Likely Pathogenic.

Literature cited by the submitters: PubMed 16199547; PubMed 15052268; PubMed 16896922.

NM_018668.5(VPS33B):c.701-1G>A

Gene: VPS33B (VPS33B late endosome and lysosome associated; minus strand). Cytogenetic location: 15q26.1.
Variant type: single nucleotide variant.
Coding change: c.701-1G>A on transcript NM_018668.5 (MANE Select); the canonical splice acceptor site of the intron before coding-DNA position 701, G replaced by A.
Molecular consequence: splice acceptor variant.
Genome position (GRCh38, 1-based): chr15:91,006,730, C>T on the plus strand (G>A on the coding strand, the complement: VPS33B is on the minus strand). VCF-style: chr15-91006730-C-T. GRCh37 (hg19) VCF-style: chr15-91549960-C-T.
Other names: c.620-1G>A (NM_001289148.1); c.428-1G>A (NM_001289149.1).
Identifiers: ClinVar variation 1495328 (VCV001495328.6), dbSNP rs776357060, ClinGen allele CA7744935.